The following is an entry in ClinVar:

NM_004260.4(RECQL4):c.2354C>A (p.Ala785Asp)

Gene: RECQL4 (RecQ like helicase 4; minus strand). Cytogenetic location: 8q24.3.
Variant type: single nucleotide variant.
Coding change: c.2354C>A on transcript NM_004260.4 (MANE Select); coding-DNA position 2354, C replaced by A.
Protein change: p.Ala785Asp; replaces alanine 785 with aspartic acid.
Molecular consequence: missense variant.
Genome position (GRCh38, 1-based): chr8:144,513,327, G>T on the plus strand (C>A on the coding strand, the complement: RECQL4 is on the minus strand). VCF-style: chr8-144513327-G-T. GRCh37 (hg19) VCF-style: chr8-145738710-G-T.
Other names: c.2354C>A, p.Ala785Asp (NM_001413019.1, NM_001413036.1); c.2258C>A, p.Ala753Asp (NM_001413020.1); c.1283C>A, p.Ala428Asp (NM_001413021.1, NM_001413022.1, NM_001413023.1 and 5 more transcripts); c.2225C>A, p.Ala742Asp (NM_001413025.1); c.1217C>A, p.Ala406Asp (NM_001413027.1, NM_001413041.1, NM_001413030.1 and 1 more transcripts); c.2003C>A, p.Ala668Asp (NM_001413029.1); c.1253C>A, p.Ala418Asp (NM_001413042.1); c.887C>A, p.Ala296Asp (NM_001413043.1); and 4 more; short protein forms A296D, A362D, A384D, A406D, A418D, A428D, A668D, A741D.
Identifiers: ClinVar variation 1715070 (VCV001715070.5), dbSNP rs1827614027, ClinGen allele CA372678294.

ClinVar aggregate classification (germline): Uncertain significance (1 of 4 stars; one submission).

Conditions:
Baller-Gerold syndrome (BGS). Also called: CRANIOSYNOSTOSIS WITH RADIAL DEFECTS. Identifiers: Orphanet 1225, MedGen C0265308, MONDO:0009039, OMIM 218600.

Allele frequency attached by ClinVar (database versions not stated): gnomAD exomes below 0.00001.
gnomAD v4.1: 1 of 1,603,088 alleles (0.000062%); no homozygotes.

Submission:

Labcorp Genetics (formerly Invitae), Labcorp
Classification: Uncertain significance for Baller-Gerold syndrome. Last evaluated: 2022-08-05. Review status: criteria provided, single submitter. Criteria: Invitae Variant Classification Sherloc (09022015). Collection method: clinical testing. Allele origin: germline.
Comment: In summary, the available evidence is currently insufficient to determine the role of this variant in disease. Therefore, it has been classified as a Variant of Uncertain Significance. Experimental studies and prediction algorithms are not available or were not evaluated, and the functional significance of this variant is currently unknown. This variant has not been reported in the literature in individuals affected with RECQL4-related conditions. This variant is not present in population databases (gnomAD no frequency). This sequence change replaces alanine, which is neutral and non-polar, with aspartic acid, which is acidic and polar, at codon 785 of the RECQL4 protein (p.Ala785Asp).